The following is an entry in ClinVar:

ClinVar aggregate classification (germline): Uncertain significance. Review status: criteria provided, multiple submitters, no conflicts (2 of 4 stars). 2 submissions from 2 submitters: Uncertain significance (2). Last evaluated 2023-04-28.

Conditions:
Intellectual disability, autosomal recessive 42 (NEDDSBA). Also called: GLYCOSYLPHOSPHATIDYLINOSITOL BIOSYNTHESIS DEFECT 9; Neurodevelopmental disorder with dysmorphic features, spasticity, and brain abnormalities. Identifiers: Orphanet 88616, MedGen C4014343, MONDO:0014348, OMIM 615802.

Allele frequency attached by ClinVar (database versions not stated): gnomAD exomes below 0.00001; TOPMed 0.00001.
gnomAD v4.1: 2 of 1,572,338 alleles (0.00013%); highest among the groups gnomAD compares: Non-Finnish European, 0.00017%; no homozygotes.

Submissions (2):

GeneDx
Classification: Uncertain significance. Last evaluated: 2023-04-28. Review status: criteria provided, single submitter. Criteria: GeneDx Variant Classification Process June 2021. Collection method: clinical testing. Allele origin: germline. Affected: yes.
Comment: Not observed at significant frequency in large population cohorts (gnomAD); In silico analysis supports that this missense variant has a deleterious effect on protein structure/function; Has not been previously published as pathogenic or benign to our knowledge

Labcorp Genetics (formerly Invitae), Labcorp
Classification: Uncertain significance for Intellectual disability, autosomal recessive 42. Last evaluated: 2022-01-17. Review status: criteria provided, single submitter. Criteria: Invitae Variant Classification Sherloc (09022015). Collection method: clinical testing. Allele origin: germline.
Comment: In summary, the available evidence is currently insufficient to determine the role of this variant in disease. Therefore, it has been classified as a Variant of Uncertain Significance. Algorithms developed to predict the effect of missense changes on protein structure and function are either unavailable or do not agree on the potential impact of this missense change (SIFT: "Deleterious"; PolyPhen-2: "Probably Damaging"; Align-GVGD: "Class C0"). ClinVar contains an entry for this variant (Variation ID: 661100). This variant has not been reported in the literature in individuals affected with PGAP1-related conditions. This variant is not present in population databases (gnomAD no frequency). This sequence change replaces aspartic acid, which is acidic and polar, with valine, which is neutral and non-polar, at codon 304 of the PGAP1 protein (p.Asp304Val).

NM_024989.4(PGAP1):c.911A>T (p.Asp304Val)

Gene: PGAP1 (post-GPI attachment to proteins inositol deacylase 1; minus strand). Cytogenetic location: 2q33.1.
Variant type: single nucleotide variant.
Coding change: c.911A>T on transcript NM_024989.4 (MANE Select); coding-DNA position 911, A replaced by T.
Protein change: p.Asp304Val; replaces aspartic acid 304 with valine.
Molecular consequence: missense variant. On other transcripts: 5 prime UTR variant (1).
Genome position (GRCh38, 1-based): chr2:196,897,147, T>A on the plus strand (A>T on the coding strand, the complement: PGAP1 is on the minus strand). VCF-style: chr2-196897147-T-A. GRCh37 (hg19) VCF-style: chr2-197761871-T-A.
Other names: c.389A>T, p.Asp130Val (NM_001321099.2); c.-201A>T (NM_001321100.2); short protein forms D304V, D130V.
Identifiers: ClinVar variation 661100 (VCV000661100.10), dbSNP rs1323722383, ClinGen allele CA350176789.
Genomic context (GRCh38, chr2:196,897,147, plus strand): 5'-GTAAAAGCTTTCATTTAAATAATTTTTAGTTTAAAAATACATACTTGTTTAGTATCAGCA[T>A]CAATAAGATCAAAGAATGCTCGAACTGTAGTCAACTGCAATTGTTTACACCTAAGGAATA-3'
Protein context (NP_079265.2, residues 294-314): TTVRAFFDLI[Asp304Val]ADTKQITQNS